The following is an entry in ClinVar:

ClinVar aggregate classification (germline): Uncertain significance. Review status: criteria provided, multiple submitters, no conflicts (2 of 4 stars). 3 submissions from 3 submitters: Uncertain significance (3). Last evaluated 2022-09-06.

Conditions:
Nephronophthisis. Also called: Juvenile Nephronophthisis. Identifiers: Orphanet 655, MedGen C0687120, MONDO:0019005, HP:0000090.
Nephronophthisis 3 (NPHP3). Also called: Adolescent nephronophthisis. Identifiers: Orphanet 655, MedGen C1858392, MONDO:0011456, OMIM 604387.
Renal-hepatic-pancreatic dysplasia 1 (RHPD1). Identifiers: MedGen C3715199, MONDO:0008833, OMIM 208540.
NPHP3-related Meckel-like syndrome. Also called: GOLDSTON SYNDROME; Meckel syndrome type 7. Identifiers: Orphanet 3032, MedGen C2673885, MONDO:0009966, OMIM 267010.

Allele frequency attached by ClinVar (database versions not stated): ExAC 0.00001; gnomAD 0.00001; gnomAD exomes 0.00001 and 0.00002.
gnomAD v4.1: 7 of 1,613,356 alleles (0.00043%); highest among the groups gnomAD compares: East Asian, 0.016%; no homozygotes.

Submissions (3):

Labcorp Genetics (formerly Invitae), Labcorp
Classification: Uncertain significance for Nephronophthisis. Last evaluated: 2022-09-06. Review status: criteria provided, single submitter. Criteria: Invitae Variant Classification Sherloc (09022015). Collection method: clinical testing. Allele origin: germline.
Comment: This sequence change replaces tyrosine, which is neutral and polar, with cysteine, which is neutral and slightly polar, at codon 844 of the NPHP3 protein (p.Tyr844Cys). This variant is present in population databases (rs752254827, gnomAD 0.04%). This variant has not been reported in the literature in individuals affected with NPHP3-related conditions. ClinVar contains an entry for this variant (Variation ID: 646548). Algorithms developed to predict the effect of missense changes on protein structure and function output the following: SIFT: "Tolerated"; PolyPhen-2: "Benign"; Align-GVGD: "Class C0". The cysteine amino acid residue is found in multiple mammalian species, which suggests that this missense change does not adversely affect protein function. In summary, the available evidence is currently insufficient to determine the role of this variant in disease. Therefore, it has been classified as a Variant of Uncertain Significance.

Fulgent Genetics
Classification: Uncertain significance for Renal-hepatic-pancreatic dysplasia 1; NPHP3-related Meckel-like syndrome; Nephronophthisis 3. Last evaluated: 2022-01-28. Review status: criteria provided, single submitter. Criteria: ACMG Guidelines, 2015. Collection method: clinical testing. Allele origin: unknown.

GeneDx
Classification: Uncertain significance. Last evaluated: 2019-04-09. Review status: criteria provided, single submitter. Criteria: GeneDx Variant Classification Process June 2021. Collection method: clinical testing. Allele origin: germline. Affected: yes.
Comment: In silico analysis, which includes protein predictors and evolutionary conservation, supports that this variant does not alter protein structure/function; Has not been previously published as pathogenic or benign to our knowledge

NM_153240.5(NPHP3):c.2531A>G (p.Tyr844Cys)

Genes: NPHP3 (nephrocystin 3; minus strand), NPHP3-ACAD11 (NPHP3-ACAD11 readthrough (NMD candidate); minus strand). Cytogenetic location: 3q22.1.
Variant type: single nucleotide variant.
Coding change: c.2531A>G on transcript NM_153240.5 (MANE Select); coding-DNA position 2531, A replaced by G.
Protein change: p.Tyr844Cys; replaces tyrosine 844 with cysteine.
Molecular consequence: missense variant. On other transcripts: non-coding transcript variant (1).
Genome position (GRCh38, 1-based): chr3:132,691,231, T>C on the plus strand (A>G on the coding strand, the complement: NPHP3 is on the minus strand). VCF-style: chr3-132691231-T-C. GRCh37 (hg19) VCF-style: chr3-132410075-T-C.
Other names: short protein forms Y844C.
Identifiers: ClinVar variation 646548 (VCV000646548.8), dbSNP rs752254827, ClinGen allele CA2621990.